The following is an entry in ClinVar:

NM_032043.3(BRIP1):c.1840T>G (p.Ser614Ala)

Gene: BRIP1 (BRCA1 interacting DNA helicase 1; minus strand). Cytogenetic location: 17q23.2.
Variant type: single nucleotide variant.
Coding change: c.1840T>G on transcript NM_032043.3 (MANE Select); coding-DNA position 1840, T replaced by G.
Protein change: p.Ser614Ala; replaces serine 614 with alanine.
Molecular consequence: missense variant.
Genome position (GRCh38, 1-based): chr17:61,780,356, A>C on the plus strand (T>G on the coding strand, the complement: BRIP1 is on the minus strand). VCF-style: chr17-61780356-A-C. GRCh37 (hg19) VCF-style: chr17-59857717-A-C.
Other names: short protein forms S614A.
Identifiers: ClinVar variation 2637640 (VCV002637640.3), dbSNP rs2145079541, ClinGen allele CA400480137.

ClinVar aggregate classification (germline): Uncertain significance. Review status: criteria provided, multiple submitters, no conflicts (2 of 4 stars). 2 submissions from 2 submitters: Uncertain significance (2). Last evaluated 2024-07-08.

Conditions:
Fanconi anemia complementation group J. Also called: BRIP1-Related Fanconi Anemia. Identifiers: Orphanet 84, MedGen C1836860, MONDO:0012187, OMIM 609054.
Familial cancer of breast. Also called: Hereditary breast cancer; hereditary breast carcinoma; BREAST CANCER, FAMILIAL. Identifiers: Orphanet 227535, MedGen C0346153, MONDO:0016419, OMIM 114480. Disease mechanism: loss of function.

Submissions (2):

Labcorp Genetics (formerly Invitae), Labcorp
Classification: Uncertain significance for Familial cancer of breast; Fanconi anemia complementation group J. Last evaluated: 2024-07-08. Review status: criteria provided, single submitter. Criteria: Invitae Variant Classification Sherloc (09022015). Collection method: clinical testing. Allele origin: germline.
Comment: This sequence change replaces serine, which is neutral and polar, with alanine, which is neutral and non-polar, at codon 614 of the BRIP1 protein (p.Ser614Ala). This variant is not present in population databases (gnomAD no frequency). This variant has not been reported in the literature in individuals affected with BRIP1-related conditions. ClinVar contains an entry for this variant (Variation ID: 2637640). Advanced modeling of protein sequence and biophysical properties (such as structural, functional, and spatial information, amino acid conservation, physicochemical variation, residue mobility, and thermodynamic stability) performed at Invitae indicates that this missense variant is expected to disrupt BRIP1 protein function with a positive predictive value of 80%. In summary, the available evidence is currently insufficient to determine the role of this variant in disease. Therefore, it has been classified as a Variant of Uncertain Significance.

Women's Health and Genetics/Laboratory Corporation of America, LabCorp
Classification: Uncertain significance. Last evaluated: 2023-10-09. Review status: criteria provided, single submitter. Criteria: LabCorp Variant Classification Summary - May 2015. Collection method: clinical testing. Allele origin: germline.
Comment: Variant summary: BRIP1 c.1840T>G (p.Ser614Ala) results in a conservative amino acid change in the encoded protein sequence. Four of five in-silico tools predict a damaging effect of the variant on protein function. The variant was absent in 251434 control chromosomes. The available data on variant occurrences in the general population are insufficient to allow any conclusion about variant significance. To our knowledge, no occurrence of c.1840T>G in individuals affected with Breast Cancer and no experimental evidence demonstrating its impact on protein function have been reported. No submitters have cited clinical-significance assessments for this variant to ClinVar after 2014. Based on the evidence outlined above, the variant was classified as uncertain significance.